The following is an entry in ClinVar:

NM_001130438.3(SPTAN1):c.7419G>A (p.Ser2473=)

Gene: SPTAN1 (spectrin alpha, non-erythrocytic 1; plus strand). Cytogenetic location: 9q34.11.
Variant type: single nucleotide variant.
Coding change: c.7419G>A on transcript NM_001130438.3 (MANE Select); coding-DNA position 7419, G replaced by A.
Protein change: p.Ser2473=; no amino-acid change (serine 2473 retained).
Molecular consequence: synonymous variant.
Genome position (GRCh38, 1-based): chr9:128,633,319, G>A. VCF-style: chr9-128633319-G-A. GRCh37 (hg19) VCF-style: chr9-131395598-G-A.
Other names: c.7344G>A, p.Ser2448= (NM_001195532.2); c.7482G>A, p.Ser2494= (NM_001363759.2); c.7359G>A, p.Ser2453= (NM_001363765.2); c.7404G>A, p.Ser2468= (NM_003127.4).
Identifiers: ClinVar variation 378667 (VCV000378667.17), dbSNP rs375649697, ClinGen allele CA5266107.
Genomic context (GRCh38, chr9:128,633,319, plus strand): 5'-CGTGGACGGCAAGGGCCGCGAGCTCCCCACCGCGTTCGACTACGTGGAGTTCACCCGCTC[G>A]CTTTTCGTGAACTGAGCCACTCCCTGGGTCACCCACCCCTCGCTGCTTGCCCTGCGTCGC-3'
Protein context (NP_001123910.1, residues 2463-2477): TAFDYVEFTR[Ser2473=]LFVN

ClinVar aggregate classification (germline): Benign/Likely benign. Review status: criteria provided, multiple submitters, no conflicts (2 of 4 stars). 5 submissions from 5 submitters: Benign (2); Likely benign (3). Last evaluated 2025-12-13.

Conditions:
Inborn genetic diseases. Identifiers: MedGen C0950123, MeSH D030342.
Early-infantile DEE. Also called: Early infantile epileptic encephalopathy with suppression bursts; Early infantile epileptic encephalopathy; Ohtahara syndrome. Identifiers: Orphanet 1934, MedGen C0393706, MONDO:0800491.
Developmental and epileptic encephalopathy, 5 (DEE5). Identifiers: Orphanet 3451, MedGen C3150731, MONDO:0013277, OMIM 613477.

Allele frequency attached by ClinVar (database versions not stated): gnomAD exomes 0.00003 and 0.00007; ExAC 0.00005; ESP Exome Variant Server 0.00008; TOPMed 0.00016.
gnomAD v4.1: 55 of 1,613,844 alleles (0.0034%); highest among the groups gnomAD compares: African/African-American, 0.025%; no homozygotes.

Submissions (5):

Labcorp Genetics (formerly Invitae), Labcorp
Classification: Likely benign for Early-infantile DEE. Last evaluated: 2025-12-13. Review status: criteria provided, single submitter. Criteria: Invitae Variant Classification Sherloc (09022015). Collection method: clinical testing. Allele origin: germline.

Genome-Nilou Lab
Classification: Benign for Developmental and epileptic encephalopathy, 5. Last evaluated: 2021-07-15. Review status: criteria provided, single submitter. Criteria: ACMG Guidelines, 2015. Collection method: clinical testing. Allele origin: germline. Affected: no.

Ambry Genetics
Classification: Likely benign for Inborn genetic diseases. Last evaluated: 2017-09-27. Review status: criteria provided, single submitter. Criteria: Ambry Variant Classification Scheme 2023. Collection method: clinical testing. Allele origin: germline.

Athena Diagnostics
Classification: Likely benign. Last evaluated: 2016-10-17. Review status: criteria provided, single submitter. Criteria: Athena Diagnostics Criteria. Collection method: clinical testing. Allele origin: germline.

GeneDx
Classification: Benign. Last evaluated: 2015-07-08. Review status: criteria provided, single submitter. Criteria: GeneDx Variant Classification (06012015). Collection method: clinical testing. Allele origin: germline. Affected: yes.
Comment: This variant is considered likely benign or benign based on one or more of the following criteria: it is a conservative change, it occurs at a poorly conserved position in the protein, it is predicted to be benign by multiple in silico algorithms, and/or has population frequency not consistent with disease.